The following is an entry in ClinVar:

ClinVar aggregate classification (germline): Uncertain significance (1 of 4 stars; one submission).

Allele frequency attached by ClinVar (database versions not stated): gnomAD 0.00001; ExAC 0.00001; TOPMed 0.00001; ESP Exome Variant Server 0.00008.
gnomAD v4.1: 3 of 1,613,276 alleles (0.00019%); highest among the groups gnomAD compares: African/African-American, 0.0027%; no homozygotes.

Submission:

Labcorp Genetics (formerly Invitae), Labcorp
Classification: Uncertain significance. Last evaluated: 2024-08-12. Review status: criteria provided, single submitter. Criteria: Invitae Variant Classification Sherloc (09022015). Collection method: clinical testing. Allele origin: germline.
Comment: This sequence change replaces proline, which is neutral and non-polar, with serine, which is neutral and polar, at codon 898 of the FBXO11 protein (p.Pro898Ser). This variant is present in population databases (rs369808789, gnomAD 0.007%). This variant has not been reported in the literature in individuals affected with FBXO11-related conditions. An algorithm developed to predict the effect of missense changes on protein structure and function (PolyPhen-2) suggests that this variant is likely to be tolerated. In summary, the available evidence is currently insufficient to determine the role of this variant in disease. Therefore, it has been classified as a Variant of Uncertain Significance.

NM_001190274.2(FBXO11):c.2692C>T (p.Pro898Ser)

Genes: FBXO11 (F-box protein 11; minus strand), MSH6 (mutS homolog 6; plus strand). Cytogenetic location: 2p16.3.
Variant type: single nucleotide variant.
Coding change: c.2692C>T on transcript NM_001190274.2 (MANE Select); coding-DNA position 2692, C replaced by T.
Protein change: p.Pro898Ser; replaces proline 898 with serine.
Molecular consequence: missense variant. On other transcripts: intron variant (6).
Genome position (GRCh38, 1-based): chr2:47,808,210, G>A on the plus strand (C>T on the coding strand, the complement: FBXO11 is on the minus strand). VCF-style: chr2-47808210-G-A. GRCh37 (hg19) VCF-style: chr2-48035349-G-A.
Other names: c.2440C>T, p.Pro814Ser (NM_001374325.1, NM_025133.4); c.*43+1307G>A (NM_001406809.1); c.*40+1310G>A (NM_001406796.1, NM_001406811.1, NM_001406805.1 and 2 more transcripts); short protein forms P814S, P898S.
Identifiers: ClinVar variation 2836066 (VCV002836066.3), dbSNP rs369808789, ClinGen allele CA067525.